The following is an entry in ClinVar:

ClinVar aggregate classification (germline): Uncertain significance. Review status: criteria provided, multiple submitters, no conflicts (2 of 4 stars). 2 submissions from 2 submitters: Uncertain significance (2). Last evaluated 2025-05-12.

gnomAD v4.1: 1 of 1,528,912 alleles (0.000065%); highest among the groups gnomAD compares: Non-Finnish European, 0.00009%; no homozygotes.

Submissions (2):

Women's Health and Genetics/Laboratory Corporation of America, LabCorp
Classification: Uncertain significance. Last evaluated: 2025-05-12. Review status: criteria provided, single submitter. Criteria: LabCorp Variant Classification Summary - May 2015. Collection method: clinical testing. Allele origin: germline.
Comment: Variant summary: KIF2A c.660T>G (p.Asp220Glu) results in a conservative amino acid change in the encoded protein sequence. Algorithms developed to predict the effect of missense changes on protein structure and function are either unavailable or do not agree on the potential impact of this missense change. The variant was absent in 236382 control chromosomes. The available data on variant occurrences in the general population are insufficient to allow any conclusion about variant significance. To our knowledge, no occurrence of c.660T>G in individuals affected with Complex Cortical Dysplasia With Other Brain Malformations 3 and no experimental evidence demonstrating its impact on protein function have been reported. No submitters have cited clinical-significance assessments for this variant to ClinVar. Based on the evidence outlined above, the variant was classified as uncertain significance.

Labcorp Genetics (formerly Invitae), Labcorp
Classification: Uncertain significance. Last evaluated: 2025-03-10. Review status: criteria provided, single submitter. Criteria: Invitae Variant Classification Sherloc (09022015). Collection method: clinical testing. Allele origin: germline.
Comment: This sequence change replaces aspartic acid, which is acidic and polar, with glutamic acid, which is acidic and polar, at codon 220 of the KIF2A protein (p.Asp220Glu). This variant is not present in population databases (gnomAD no frequency). This variant has not been reported in the literature in individuals affected with KIF2A-related conditions. An algorithm developed to predict the effect of missense changes on protein structure and function (PolyPhen-2) suggests that this variant is likely to be tolerated. In summary, the available evidence is currently insufficient to determine the role of this variant in disease. Therefore, it has been classified as a Variant of Uncertain Significance.

NM_001098511.3(KIF2A):c.660T>G (p.Asp220Glu)

Gene: KIF2A (kinesin family member 2A; plus strand). Cytogenetic location: 5q12.1.
Variant type: single nucleotide variant.
Coding change: c.660T>G on transcript NM_001098511.3 (MANE Select); coding-DNA position 660, T replaced by G.
Protein change: p.Asp220Glu; replaces aspartic acid 220 with glutamic acid.
Molecular consequence: missense variant.
Genome position (GRCh38, 1-based): chr5:62,357,696, T>G. VCF-style: chr5-62357696-T-G. GRCh37 (hg19) VCF-style: chr5-61653523-T-G.
Other names: c.579T>G, p.Asp193Glu (NM_001243952.2); c.603T>G, p.Asp201Glu (NM_001243953.2); c.660T>G, p.Asp220Glu (NM_004520.5); short protein forms D201E, D220E, D193E.
Identifiers: ClinVar variation 3676666 (VCV003676666.3).